The following is an entry in ClinVar:

ClinVar aggregate classification (germline): Likely pathogenic (1 of 4 stars; one submission).

Submission:

Labcorp Genetics (formerly Invitae), Labcorp
Classification: Likely pathogenic. Last evaluated: 2021-02-14. Review status: criteria provided, single submitter. Criteria: Invitae Variant Classification Sherloc (09022015). Collection method: clinical testing. Allele origin: germline.
Comment: This sequence change replaces glycine with arginine at codon 1107 of the COL2A1 protein (p.Gly1107Arg). The glycine residue is highly conserved and there is a moderate physicochemical difference between glycine and arginine. This variant is not present in population databases (ExAC no frequency). This variant has not been reported in the literature in individuals with COL2A1-related conditions. This variant disrupts the triple helix domain of COL2A1. Glycine residues within the Gly-Xaa-Yaa repeats of the triple helix domain are required for the structure and stability of fibrillar collagens (PMID: 7695699, 8218237, 19344236). In COL2A1, variants affecting these glycine residues are significantly enriched in individuals with disease (PMID: 9016532, 17078022) compared to the general population (ExAC). In summary, the currently available evidence indicates that the variant is pathogenic, but additional data are needed to prove that conclusively. Therefore, this variant has been classified as Likely Pathogenic.

Literature cited by the submitters: PubMed 7695699; PubMed 8218237; PubMed 19344236; PubMed 9016532; PubMed 17078022.

NM_001844.5(COL2A1):c.3319G>A (p.Gly1107Arg)

Gene: COL2A1 (collagen type II alpha 1 chain; minus strand). Cytogenetic location: 12q13.11.
Variant type: single nucleotide variant.
Coding change: c.3319G>A on transcript NM_001844.5 (MANE Select); coding-DNA position 3319, G replaced by A.
Protein change: p.Gly1107Arg; replaces glycine 1107 with arginine.
Molecular consequence: missense variant.
Genome position (GRCh38, 1-based): chr12:47,977,110, C>T on the plus strand (G>A on the coding strand, the complement: COL2A1 is on the minus strand). VCF-style: chr12-47977110-C-T. GRCh37 (hg19) VCF-style: chr12-48370893-C-T.
Other names: c.3112G>A, p.Gly1038Arg (NM_033150.3); short protein forms G1038R, G1107R.
Identifiers: ClinVar variation 1067590 (VCV001067590.9), dbSNP rs2136519756, ClinGen allele CA384539436.